The following is an entry in ClinVar:

ClinVar aggregate classification (germline): Benign/Likely benign. Review status: criteria provided, multiple submitters, no conflicts (2 of 4 stars). 4 submissions from 4 submitters: Benign (1); Likely benign (3). Last evaluated 2026-01-28.

Conditions:
Hyper-IgM syndrome type 3. Also called: Hyper-IgM Immunodeficiency Syndrome, Type 3. Identifiers: Orphanet 101090, MedGen C1720957, MONDO:0011735, OMIM 606843.

Allele frequency attached by ClinVar (database versions not stated): gnomAD exomes 0.00016 and 0.00039; ExAC 0.00045; ESP Exome Variant Server 0.00138; TOPMed 0.00147; gnomAD 0.00151 and 0.00160; 1000 Genomes Project 0.00180; 1000 Genomes Project 30x 0.00187.
gnomAD v4.1: 470 of 1,614,154 alleles (0.029%); highest among the groups gnomAD compares: African/African-American, 0.49%; 1 homozygote.

Submissions (4):

Labcorp Genetics (formerly Invitae), Labcorp
Classification: Benign. Last evaluated: 2026-01-28. Review status: criteria provided, single submitter. Criteria: Invitae Variant Classification Sherloc (09022015). Collection method: clinical testing. Allele origin: germline.

Blueprint Genetics
Classification: Likely benign. Last evaluated: 2024-10-11. Review status: criteria provided, single submitter. Criteria: ACMG Guidelines, 2015. Collection method: clinical testing. Allele origin: germline.

Illumina Laboratory Services, Illumina
Classification: Likely benign for Hyper-IgM syndrome type 3. Last evaluated: 2018-01-13. Review status: criteria provided, single submitter. Criteria: ICSL Variant Classification Criteria 13 December 2019. Collection method: clinical testing. Allele origin: germline.
Comment: This variant was observed in the ICSL laboratory as part of a predisposition screen in an ostensibly healthy population. It had not been previously curated by ICSL or reported in the Human Gene Mutation Database (HGMD: prior to June 1st, 2018), and was therefore a candidate for classification through an automated scoring system. Utilizing variant allele frequency, disease prevalence and penetrance estimates, and inheritance mode, an automated score was calculated to assess if this variant is too frequent to cause the disease. Based on the score and internal cut-off values, a variant classified as likely benign is not then subjected to further curation. The score for this variant resulted in a classification of likely benign for this disease.

Breakthrough Genomics
Classification: Likely benign. Review status: criteria provided, single submitter. Criteria: ACMG Guidelines, 2015. Collection method: not provided. Allele origin: germline. Inheritance: Autosomal recessive inheritance. Affected: yes.

NM_001250.6(CD40):c.717C>T (p.Pro239=)

Gene: CD40 (CD40 molecule; plus strand). Cytogenetic location: 20q13.12.
Variant type: single nucleotide variant.
Coding change: c.717C>T on transcript NM_001250.6 (MANE Select); coding-DNA position 717, C replaced by T.
Protein change: p.Pro239=; no amino-acid change (proline 239 retained).
Molecular consequence: synonymous variant. On other transcripts: 3 prime UTR variant (3), non-coding transcript variant (2).
Genome position (GRCh38, 1-based): chr20:46,128,923, C>T. VCF-style: chr20-46128923-C-T. GRCh37 (hg19) VCF-style: chr20-44757562-C-T.
Other names: c.*43C>T (NM_001302753.2, NM_001362758.2, NM_152854.4); c.729C>T, p.Pro243= (NM_001322421.2); c.561C>T, p.Pro187= (NM_001322422.2).
Identifiers: ClinVar variation 714820 (VCV000714820.14), dbSNP rs144466131, ClinGen allele CA9888657.